The following is an entry in ClinVar:

ClinVar aggregate classification (germline): Uncertain significance (1 of 4 stars; one submission).

Allele frequency attached by ClinVar (database versions not stated): gnomAD exomes below 0.00001; ExAC 0.00001; gnomAD 0.00001; TOPMed 0.00001.
gnomAD v4.1: 2 of 1,614,028 alleles (0.00012%); highest among the groups gnomAD compares: Non-Finnish European, 0.00017%; no homozygotes.

Submission:

Labcorp Genetics (formerly Invitae), Labcorp
Classification: Uncertain significance. Last evaluated: 2024-12-04. Review status: criteria provided, single submitter. Criteria: Invitae Variant Classification Sherloc (09022015). Collection method: clinical testing. Allele origin: germline.
Comment: This sequence change replaces valine, which is neutral and non-polar, with glycine, which is neutral and non-polar, at codon 696 of the NCSTN protein (p.Val696Gly). This variant is present in population databases (rs755433439, gnomAD 0.004%). This variant has not been reported in the literature in individuals affected with NCSTN-related conditions. ClinVar contains an entry for this variant (Variation ID: 1432754). An algorithm developed to predict the effect of missense changes on protein structure and function (PolyPhen-2) suggests that this variant is likely to be tolerated. In summary, the available evidence is currently insufficient to determine the role of this variant in disease. Therefore, it has been classified as a Variant of Uncertain Significance.

NM_015331.3(NCSTN):c.2087T>G (p.Val696Gly)

Gene: NCSTN (nicastrin; plus strand). Cytogenetic location: 1q23.2.
Variant type: single nucleotide variant.
Coding change: c.2087T>G on transcript NM_015331.3 (MANE Select); coding-DNA position 2087, T replaced by G.
Protein change: p.Val696Gly; replaces valine 696 with glycine.
Molecular consequence: missense variant.
Genome position (GRCh38, 1-based): chr1:160,358,228, T>G. VCF-style: chr1-160358228-T-G. GRCh37 (hg19) VCF-style: chr1-160328018-T-G.
Other names: c.2027T>G, p.Val676Gly (NM_001290184.2); c.1673T>G, p.Val558Gly (NM_001290186.2); c.1874T>G, p.Val625Gly (NM_001349729.2); short protein forms V676G, V696G, V558G, V625G.
Identifiers: ClinVar variation 1432754 (VCV001432754.6), dbSNP rs755433439, ClinGen allele CA1199175.